The following is an entry in ClinVar:

NC_000001.10:g.(?_1271522)_(1278158_?)dup

Gene: DVL1 (dishevelled segment polarity protein 1; minus strand). Cytogenetic location: 1p36.33.
Variant type: Duplication.
Identifiers: ClinVar variation 1411188 (VCV001411188.3).

ClinVar aggregate classification (germline): Uncertain significance (1 of 4 stars; one submission).

Submission:

Labcorp Genetics (formerly Invitae), Labcorp
Classification: Uncertain significance. Last evaluated: 2021-08-26. Review status: criteria provided, single submitter. Criteria: Invitae Variant Classification Sherloc (09022015). Collection method: clinical testing. Allele origin: germline.
Comment: This variant results in a copy number gain of the genomic region encompassing exon(s) 2-15 of the DVL1 gene. This region includes the termination codon of the gene. This copy number gain extends beyond the assayed region for this gene and therefore may encompass additional genes. As the precise location of this event is unknown, it may be in tandem or it may be located elsewhere in the genome. This variant has not been reported in the literature in individuals affected with DVL1-related conditions. Experimental studies and prediction algorithms are not available or were not evaluated, and the functional significance of this variant is currently unknown. In summary, the available evidence is currently insufficient to determine the role of this variant in disease. Therefore, it has been classified as a Variant of Uncertain Significance.